The following is an entry in ClinVar:

ClinVar aggregate classification (germline): Uncertain significance (1 of 4 stars; one submission).

Submission:

Labcorp Genetics (formerly Invitae), Labcorp
Classification: Uncertain significance. Last evaluated: 2023-03-03. Review status: criteria provided, single submitter. Criteria: Invitae Variant Classification Sherloc (09022015). Collection method: clinical testing. Allele origin: germline.
Comment: This variant has not been reported in the literature in individuals affected with CD2AP-related conditions. In summary, the available evidence is currently insufficient to determine the role of this variant in disease. Therefore, it has been classified as a Variant of Uncertain Significance. Advanced modeling of protein sequence and biophysical properties (such as structural, functional, and spatial information, amino acid conservation, physicochemical variation, residue mobility, and thermodynamic stability) performed at Invitae indicates that this missense variant is expected to disrupt CD2AP protein function. This variant is not present in population databases (gnomAD no frequency). This sequence change replaces aspartic acid, which is acidic and polar, with asparagine, which is neutral and polar, at codon 125 of the CD2AP protein (p.Asp125Asn).

NM_012120.3(CD2AP):c.373G>A (p.Asp125Asn)

Gene: CD2AP (CD2 associated protein; plus strand). Cytogenetic location: 6p12.3.
Variant type: single nucleotide variant.
Coding change: c.373G>A on transcript NM_012120.3 (MANE Select); coding-DNA position 373, G replaced by A.
Protein change: p.Asp125Asn; replaces aspartic acid 125 with asparagine.
Molecular consequence: missense variant.
Genome position (GRCh38, 1-based): chr6:47,544,659, G>A. VCF-style: chr6-47544659-G-A. GRCh37 (hg19) VCF-style: chr6-47512395-G-A.
Other names: short protein forms D125N.
Identifiers: ClinVar variation 2842579 (VCV002842579.3), dbSNP rs2481193093, ClinGen allele CA363939202.